The following is an entry in ClinVar:

ClinVar aggregate classification (germline): Uncertain significance (1 of 4 stars; one submission).

Conditions:
Nephronophthisis. Also called: Juvenile Nephronophthisis. Identifiers: Orphanet 655, MedGen C0687120, MONDO:0019005, HP:0000090.

Allele frequency attached by ClinVar (database versions not stated): gnomAD exomes below 0.00001.
gnomAD v4.1: 2 of 1,588,988 alleles (0.00013%); highest among the groups gnomAD compares: East Asian, 0.0045%; no homozygotes.

Submission:

Labcorp Genetics (formerly Invitae), Labcorp
Classification: Uncertain significance for Nephronophthisis. Last evaluated: 2022-11-08. Review status: criteria provided, single submitter. Criteria: Invitae Variant Classification Sherloc (09022015). Collection method: clinical testing. Allele origin: germline.
Comment: This sequence change replaces serine, which is neutral and polar, with arginine, which is basic and polar, at codon 431 of the NPHP4 protein (p.Ser431Arg). In summary, the available evidence is currently insufficient to determine the role of this variant in disease. Therefore, it has been classified as a Variant of Uncertain Significance. Advanced modeling of protein sequence and biophysical properties (such as structural, functional, and spatial information, amino acid conservation, physicochemical variation, residue mobility, and thermodynamic stability) performed at Invitae indicates that this missense variant is expected to disrupt NPHP4 protein function. ClinVar contains an entry for this variant (Variation ID: 1345979). This variant has not been reported in the literature in individuals affected with NPHP4-related conditions. This variant is not present in population databases (gnomAD no frequency).

NM_015102.5(NPHP4):c.1293C>G (p.Ser431Arg)

Gene: NPHP4 (nephrocystin 4; minus strand). Cytogenetic location: 1p36.31.
Variant type: single nucleotide variant.
Coding change: c.1293C>G on transcript NM_015102.5 (MANE Select); coding-DNA position 1293, C replaced by G.
Protein change: p.Ser431Arg; replaces serine 431 with arginine.
Molecular consequence: missense variant. On other transcripts: 5 prime UTR variant (2), non-coding transcript variant (1).
Genome position (GRCh38, 1-based): chr1:5,933,156, G>C on the plus strand (C>G on the coding strand, the complement: NPHP4 is on the minus strand). VCF-style: chr1-5933156-G-C. GRCh37 (hg19) VCF-style: chr1-5993216-G-C.
Other names: c.-74C>G (NM_001291593.2, NM_001291594.2); short protein forms S431R.
Identifiers: ClinVar variation 1345979 (VCV001345979.6), dbSNP rs2101743229, ClinGen allele CA338060814.